The following is an entry in ClinVar:

ClinVar aggregate classification (germline): Uncertain significance. Review status: criteria provided, multiple submitters, no conflicts (2 of 4 stars). 2 submissions from 2 submitters: Uncertain significance (2). Last evaluated 2024-01-23.

Allele frequency attached by ClinVar (database versions not stated): gnomAD exomes below 0.00001; ExAC 0.00001.

Submissions (2):

Labcorp Genetics (formerly Invitae), Labcorp
Classification: Uncertain significance. Last evaluated: 2024-01-23. Review status: criteria provided, single submitter. Criteria: Invitae Variant Classification Sherloc (09022015). Collection method: clinical testing. Allele origin: germline.
Comment: This sequence change replaces serine, which is neutral and polar, with arginine, which is basic and polar, at codon 1544 of the ABCA4 protein (p.Ser1544Arg). This variant is present in population databases (rs750046422, gnomAD 0.007%). This variant has not been reported in the literature in individuals affected with ABCA4-related conditions. ClinVar contains an entry for this variant (Variation ID: 861354). Advanced modeling of protein sequence and biophysical properties (such as structural, functional, and spatial information, amino acid conservation, physicochemical variation, residue mobility, and thermodynamic stability) has been performed at Invitae for this missense variant, however the output from this modeling did not meet the statistical confidence thresholds required to predict the impact of this variant on ABCA4 protein function. In summary, the available evidence is currently insufficient to determine the role of this variant in disease. Therefore, it has been classified as a Variant of Uncertain Significance.

Blueprint Genetics
Classification: Uncertain significance. Last evaluated: 2022-05-25. Review status: criteria provided, single submitter. Criteria: ACMG Guidelines, 2015. Collection method: clinical testing. Allele origin: germline.

NM_000350.3(ABCA4):c.4632C>G (p.Ser1544Arg)

Gene: ABCA4 (ATP binding cassette subfamily A member 4; minus strand). Cytogenetic location: 1p22.1.
Variant type: single nucleotide variant.
Coding change: c.4632C>G on transcript NM_000350.3 (MANE Select); coding-DNA position 4632, C replaced by G.
Protein change: p.Ser1544Arg; replaces serine 1544 with arginine.
Molecular consequence: missense variant.
Genome position (GRCh38, 1-based): chr1:94,024,956, G>C on the plus strand (C>G on the coding strand, the complement: ABCA4 is on the minus strand). VCF-style: chr1-94024956-G-C. GRCh37 (hg19) VCF-style: chr1-94490512-G-C.
Other names: c.4410C>G, p.Ser1470Arg (NM_001425324.1); short protein forms S1544R, S1470R.
Identifiers: ClinVar variation 861354 (VCV000861354.12), dbSNP rs750046422, ClinGen allele CA957546.